The following is an entry in ClinVar:

NM_001134831.2(AHI1):c.2734C>T (p.Pro912Ser)

Gene: AHI1 (Abelson helper integration site 1; minus strand). Cytogenetic location: 6q23.3.
Variant type: single nucleotide variant.
Coding change: c.2734C>T on transcript NM_001134831.2 (MANE Select); coding-DNA position 2734, C replaced by T.
Protein change: p.Pro912Ser; replaces proline 912 with serine.
Molecular consequence: missense variant.
Genome position (GRCh38, 1-based): chr6:135,427,197, G>A on the plus strand (C>T on the coding strand, the complement: AHI1 is on the minus strand). VCF-style: chr6-135427197-G-A. GRCh37 (hg19) VCF-style: chr6-135748335-G-A.
Other names: c.2734C>T, p.Pro912Ser (NM_001134830.2, NM_001134832.2, NM_001350503.2 and 2 more transcripts); short protein forms P912S.
Identifiers: ClinVar variation 1990465 (VCV001990465.4), dbSNP rs763264465, ClinGen allele CA148117258.

ClinVar aggregate classification (germline): Uncertain significance (1 of 4 stars; one submission).

Conditions:
Joubert syndrome. Also called: CEREBELLOPARENCHYMAL DISORDER IV; JOUBERT-BOLTSHAUSER SYNDROME; Familial aplasia of the vermis. Identifiers: Orphanet 475, MedGen C5979921, MONDO:0018772.

Allele frequency attached by ClinVar (database versions not stated): gnomAD exomes 0.00001.
gnomAD v4.1: 6 of 1,610,164 alleles (0.00037%); highest among the groups gnomAD compares: Non-Finnish European, 0.00051%; no homozygotes.

Submission:

Labcorp Genetics (formerly Invitae), Labcorp
Classification: Uncertain significance for Joubert syndrome. Last evaluated: 2022-01-21. Review status: criteria provided, single submitter. Criteria: Invitae Variant Classification Sherloc (09022015). Collection method: clinical testing. Allele origin: germline.
Comment: This variant has not been reported in the literature in individuals affected with AHI1-related conditions. This variant is not present in population databases (gnomAD no frequency). This sequence change replaces proline, which is neutral and non-polar, with serine, which is neutral and polar, at codon 912 of the AHI1 protein (p.Pro912Ser). Advanced modeling of protein sequence and biophysical properties (such as structural, functional, and spatial information, amino acid conservation, physicochemical variation, residue mobility, and thermodynamic stability) performed at Invitae indicates that this missense variant is expected to disrupt AHI1 protein function. In summary, the available evidence is currently insufficient to determine the role of this variant in disease. Therefore, it has been classified as a Variant of Uncertain Significance.